The following is an entry in ClinVar:

ClinVar aggregate classification (germline): Uncertain significance (1 of 4 stars; one submission).

Submission:

GeneDx
Classification: Uncertain significance. Last evaluated: 2022-05-27. Review status: criteria provided, single submitter. Criteria: GeneDx Variant Classification Process June 2021. Collection method: clinical testing. Allele origin: germline. Affected: yes.
Comment: Has not been previously published as pathogenic or benign to our knowledge; Not observed at significant frequency in large population cohorts (gnomAD); In silico analysis supports that this missense variant has a deleterious effect on protein structure/function

NM_001379291.1(BRD4):c.1504G>A (p.Asp502Asn)

Gene: BRD4 (bromodomain containing 4; minus strand). Cytogenetic location: 19p13.12.
Variant type: single nucleotide variant.
Coding change: c.1504G>A on transcript NM_001379291.1 (MANE Select); coding-DNA position 1504, G replaced by A.
Protein change: p.Asp502Asn; replaces aspartic acid 502 with asparagine.
Molecular consequence: missense variant.
Genome position (GRCh38, 1-based): chr19:15,257,011, C>T on the plus strand (G>A on the coding strand, the complement: BRD4 is on the minus strand). VCF-style: chr19-15257011-C-T. GRCh37 (hg19) VCF-style: chr19-15367822-C-T.
Other names: c.1504G>A, p.Asp502Asn (NM_001330384.2, NM_001379292.1, NM_014299.3 and 1 more transcripts); short protein forms D502N.
Identifiers: ClinVar variation 1801137 (VCV001801137.1), dbSNP rs2512562116, ClinGen allele CA404522610.
Genomic context (GRCh38, chr19:15,257,011, plus strand): 5'-CCAATGCCCTCACCTGCTCCTGGAGCTCAGCCAGCCGCTGGGCTCGCTCCTCCTCAGAGT[C>T]ATCAGTCGAACTGTCACTGTCCGAGGAGCTATCGCTGCTGCTGTCGCTGGATGAGGGCGG-3'
Protein context (NP_001366220.1, residues 492-512): SSSDSDSSTD[Asp502Asn]SEEERAQRLA